The following is an entry in ClinVar:

NM_017671.5(FERMT1):c.234C>T (p.Asp78=)

Gene: FERMT1 (FERM domain containing kindlin 1; minus strand). Cytogenetic location: 20p12.3.
Variant type: single nucleotide variant.
Coding change: c.234C>T on transcript NM_017671.5 (MANE Select); coding-DNA position 234, C replaced by T.
Protein change: p.Asp78=; no amino-acid change (aspartic acid 78 retained).
Molecular consequence: synonymous variant.
Genome position (GRCh38, 1-based): chr20:6,115,962, G>A on the plus strand (C>T on the coding strand, the complement: FERMT1 is on the minus strand). VCF-style: chr20-6115962-G-A. GRCh37 (hg19) VCF-style: chr20-6096609-G-A.
Other names: p.Asp78=.
Identifiers: ClinVar variation 339233 (VCV000339233.16), dbSNP rs57272794, ClinGen allele CA9758512.
Genomic context (GRCh38, chr20:6,115,962, plus strand): 5'-GCGCAGCATTTTATGCTGAGGGGTGAAGAGAAGCTTTGCATCTGCCTGGACCCCATATTT[G>A]TCCAGGGTCCAGTGGGTTTTCAGAAGCCAGCAATGCTTCTGTTCCCACCAAAGAGCAAAG-3'
Protein context (NP_060141.3, residues 68-88): CWLLKTHWTL[Asp78=]KYGVQADAKL

ClinVar aggregate classification (germline): Benign. Review status: criteria provided, multiple submitters, no conflicts (2 of 4 stars). 5 submissions from 5 submitters: Benign (5). Last evaluated 2026-02-02.

Conditions:
Kindler syndrome (KNDLRS). Also called: BULLOUS ACROKERATOTIC POIKILODERMA OF KINDLER AND WEARY; POIKILODERMA, CONGENITAL, WITH BULLAE, WEARY TYPE; POIKILODERMA, HEREDITARY ACROKERATOTIC; Hereditary acrokeratotic poikiloderma of Weary; Poikiloderma of Kindler; Congenital bullous poikiloderma. Identifiers: Orphanet 2908, Orphanet 306539, MedGen C0406557, MONDO:0008260, OMIM 173650.

Allele frequency attached by ClinVar (database versions not stated): gnomAD exomes 0.00330 and 0.00850; ExAC 0.01058; gnomAD 0.03376 and 0.03636; 1000 Genomes Project 0.03435; 1000 Genomes Project 30x 0.03732; TOPMed 0.03815; ESP Exome Variant Server 0.03829.
gnomAD v4.1: 10,117 of 1,614,062 alleles (0.63%); highest among the groups gnomAD compares: African/African-American, 12%; 578 homozygotes.

Submissions (5):

Labcorp Genetics (formerly Invitae), Labcorp
Classification: Benign. Last evaluated: 2026-02-02. Review status: criteria provided, single submitter. Criteria: Invitae Variant Classification Sherloc (09022015). Collection method: clinical testing. Allele origin: germline.

Mayo Clinic Laboratories, Mayo Clinic
Classification: Benign. Last evaluated: 2022-09-06. Review status: criteria provided, single submitter. Criteria: ACMG Guidelines, 2015. Collection method: clinical testing. Allele origin: germline. Observed: 2 variant alleles.

GeneDx
Classification: Benign. Last evaluated: 2021-05-04. Review status: criteria provided, single submitter. Criteria: GeneDx Variant Classification Process June 2021. Collection method: clinical testing. Allele origin: germline. Affected: yes.

Illumina Laboratory Services, Illumina
Classification: Benign for Kindler syndrome. Last evaluated: 2018-01-13. Review status: criteria provided, single submitter. Criteria: ICSL Variant Classification Criteria 13 December 2019. Collection method: clinical testing. Allele origin: germline.
Comment: This variant was observed in the ICSL laboratory as part of a predisposition screen in an ostensibly healthy population. It had not been previously curated by ICSL or reported in the Human Gene Mutation Database (HGMD: prior to June 1st, 2018), and was therefore a candidate for classification through an automated scoring system. Utilizing variant allele frequency, disease prevalence and penetrance estimates, and inheritance mode, an automated score was calculated to assess if this variant is too frequent to cause the disease. Based on the score and internal cut-off values, a variant classified as benign is not then subjected to further curation. The score for this variant resulted in a classification of benign for this disease.

Breakthrough Genomics
Classification: Benign. Review status: criteria provided, single submitter. Criteria: ACMG Guidelines, 2015. Collection method: not provided. Allele origin: germline. Inheritance: Autosomal recessive inheritance. Affected: yes.